The following is an entry in ClinVar:

ClinVar aggregate classification (germline): Uncertain significance (1 of 4 stars; one submission).

Conditions:
Nephronophthisis 3 (NPHP3). Also called: Adolescent nephronophthisis. Identifiers: Orphanet 655, MedGen C1858392, MONDO:0011456, OMIM 604387.

Submission:

3billion
Classification: Uncertain significance for Nephronophthisis 3. Last evaluated: 2025-12-29. Review status: criteria provided, single submitter. Criteria: ACMG Guidelines, 2015. Collection method: clinical testing. Allele origin: germline. Affected: yes.
Comment: The variant is not observed in the gnomAD v4.1.0 dataset. Predicted Consequence/Location: Missense variant In silico tool predictions suggest damaging effect of the variant on gene or gene product [REVEL: 0.90 (>=0.6, sensitivity 0.68 and specificity 0.92); 3Cnet: 0.00 (> 0.75, sensitivity 0.96 and precision 0.92)]. Therefore, this variant is classified as VUS according to the recommendation of ACMG/AMP guideline.

NM_153240.5(NPHP3):c.1616T>A (p.Leu539His)

Genes: NPHP3 (nephrocystin 3; minus strand), NPHP3-ACAD11 (NPHP3-ACAD11 readthrough (NMD candidate); minus strand). Cytogenetic location: 3q22.1.
Variant type: single nucleotide variant.
Coding change: c.1616T>A on transcript NM_153240.5 (MANE Select); coding-DNA position 1616, T replaced by A.
Protein change: p.Leu539His; replaces leucine 539 with histidine.
Molecular consequence: missense variant. On other transcripts: non-coding transcript variant (1).
Genome position (GRCh38, 1-based): chr3:132,701,442, A>T on the plus strand (T>A on the coding strand, the complement: NPHP3 is on the minus strand). VCF-style: chr3-132701442-A-T. GRCh37 (hg19) VCF-style: chr3-132420286-A-T.
Other names: short protein forms L539H.
Identifiers: ClinVar variation 4854328 (VCV004854328.1).
Genomic context (GRCh38, chr3:132,701,442, plus strand): 5'-CAGTAATTCAAACAATGACAACAATAATTTAATTGCACTGCATCATACCACTTTGATAAA[A>T]GAAGAGACTTCCCAGAACCTGGTCCTCCAGACACGAGAAGAGGTGGAATCGGGGCTGGTG-3'
Protein context (NP_694972.3, residues 529-549): SGGPGSGKSL[Leu539His]LSKWIQLQQK